The following is an entry in ClinVar:

NM_001025603.2(RFX5):c.1409G>A (p.Arg470Gln)

Gene: RFX5 (regulatory factor X5; minus strand). Cytogenetic location: 1q21.3.
Variant type: single nucleotide variant.
Coding change: c.1409G>A on transcript NM_001025603.2 (MANE Select); coding-DNA position 1409, G replaced by A.
Protein change: p.Arg470Gln; replaces arginine 470 with glutamine.
Molecular consequence: missense variant.
Genome position (GRCh38, 1-based): chr1:151,342,628, C>T on the plus strand (G>A on the coding strand, the complement: RFX5 is on the minus strand). VCF-style: chr1-151342628-C-T. GRCh37 (hg19) VCF-style: chr1-151315104-C-T.
Other names: c.1409G>A, p.Arg470Gln (NM_000449.4, NM_001379412.1, NM_001379413.1 and 5 more transcripts); c.1289G>A, p.Arg430Gln (NM_001379419.1, NM_001379420.1); short protein forms R470Q, R430Q.
Identifiers: ClinVar variation 567192 (VCV000567192.10), dbSNP rs138131380, ClinGen allele CA1089602.
Genomic context (GRCh38, chr1:151,342,628, plus strand): 5'-ATGGCAGCTGCTGACTTGAGAGGGGTAGAATTCCTTTCCCCACTTCCACCTGACTTTTTT[C>T]GAGGGCGCCCCCGTTTCCTTTTGGCATCACTTGCTGTATCCTCTATATCCTGCTTTGCTG-3'
Protein context (NP_001020774.1, residues 460-480): SDAKRKRGRP[Arg470Gln]KKSGGSGERN

ClinVar aggregate classification (germline): Uncertain significance. Review status: criteria provided, multiple submitters, no conflicts (2 of 4 stars). 2 submissions from 2 submitters: Uncertain significance (2). Last evaluated 2022-10-25.

Conditions:
MHC class II deficiency. Also called: Bare lymphocyte syndrome 2; BLS, TYPE II. Identifiers: Orphanet 572, MedGen C5447452, MONDO:0008855.

Allele frequency attached by ClinVar (database versions not stated): gnomAD 0.00009 and 0.00010; TOPMed 0.00009; gnomAD exomes 0.00012; ExAC 0.00015; ESP Exome Variant Server 0.00038.

Submissions (2):

Labcorp Genetics (formerly Invitae), Labcorp
Classification: Uncertain significance for MHC class II deficiency. Last evaluated: 2022-10-25. Review status: criteria provided, single submitter. Criteria: Invitae Variant Classification Sherloc (09022015). Collection method: clinical testing. Allele origin: germline.
Comment: This sequence change replaces arginine, which is basic and polar, with glutamine, which is neutral and polar, at codon 470 of the RFX5 protein (p.Arg470Gln). This variant is present in population databases (rs138131380, gnomAD 0.03%). This variant has not been reported in the literature in individuals affected with RFX5-related conditions. ClinVar contains an entry for this variant (Variation ID: 567192). Algorithms developed to predict the effect of missense changes on protein structure and function are either unavailable or do not agree on the potential impact of this missense change (SIFT: "Tolerated"; PolyPhen-2: "Probably Damaging"; Align-GVGD: "Class C0"). In summary, the available evidence is currently insufficient to determine the role of this variant in disease. Therefore, it has been classified as a Variant of Uncertain Significance.

Breakthrough Genomics
Classification: Uncertain significance. Review status: criteria provided, single submitter. Criteria: ACMG Guidelines, 2015. Collection method: not provided. Allele origin: germline. Inheritance: Autosomal recessive inheritance. Affected: yes.